The following is an entry in ClinVar:

ClinVar aggregate classification (germline): Uncertain significance. Review status: criteria provided, multiple submitters, no conflicts (2 of 4 stars). 3 submissions from 3 submitters: Uncertain significance (3). Last evaluated 2025-11-12.

Allele frequency attached by ClinVar (database versions not stated): gnomAD exomes 0.00001; ExAC 0.00003; gnomAD 0.00005; TOPMed 0.00007; ESP Exome Variant Server 0.00008.
gnomAD v4.1: 24 of 1,394,552 alleles (0.0017%); highest among the groups gnomAD compares: Admixed American, 0.016%; no homozygotes.

Submissions (3):

Ambry Genetics
Classification: Uncertain significance. Last evaluated: 2025-11-12. Review status: criteria provided, single submitter. Criteria: Ambry Variant Classification Scheme 2023. Collection method: clinical testing. Allele origin: germline.

Labcorp Genetics (formerly Invitae), Labcorp
Classification: Uncertain significance. Last evaluated: 2022-08-05. Review status: criteria provided, single submitter. Criteria: Invitae Variant Classification Sherloc (09022015). Collection method: clinical testing. Allele origin: germline.
Comment: This variant has not been reported in the literature in individuals affected with ATOH7-related conditions. In summary, the available evidence is currently insufficient to determine the role of this variant in disease. Therefore, it has been classified as a Variant of Uncertain Significance. Algorithms developed to predict the effect of missense changes on protein structure and function are either unavailable or do not agree on the potential impact of this missense change (SIFT: "Deleterious"; PolyPhen-2: "Probably Damaging"; Align-GVGD: "Class C15"). ClinVar contains an entry for this variant (Variation ID: 960905). This variant is present in population databases (rs376033950, gnomAD 0.004%). This sequence change replaces leucine, which is neutral and non-polar, with phenylalanine, which is neutral and non-polar, at codon 56 of the ATOH7 protein (p.Leu56Phe).

Breakthrough Genomics
Classification: Uncertain significance. Review status: criteria provided, single submitter. Criteria: ACMG Guidelines, 2015. Collection method: not provided. Allele origin: germline. Inheritance: Autosomal recessive inheritance. Affected: yes.

NM_145178.4(ATOH7):c.166C>T (p.Leu56Phe)

Gene: ATOH7 (atonal bHLH transcription factor 7; minus strand). Cytogenetic location: 10q21.3.
Variant type: single nucleotide variant.
Coding change: c.166C>T on transcript NM_145178.4 (MANE Select); coding-DNA position 166, C replaced by T.
Protein change: p.Leu56Phe; replaces leucine 56 with phenylalanine.
Molecular consequence: missense variant.
Genome position (GRCh38, 1-based): chr10:68,231,512, G>A on the plus strand (C>T on the coding strand, the complement: ATOH7 is on the minus strand). VCF-style: chr10-68231512-G-A. GRCh37 (hg19) VCF-style: chr10-69991269-G-A.
Other names: c.166C>T (NM_145178.2); short protein forms L56F.
Identifiers: ClinVar variation 960905 (VCV000960905.12), dbSNP rs376033950, ClinGen allele CA5523378.
Genomic context (GRCh38, chr10:68,231,512, plus strand): 5'-GCTTTTTATCCTGGCCCCACTGGGGAACCACCCTGCGTAAGCGGTCGAAGGCAGTGTTGA[G>A]CCCCTGCATGCGGCGGCGCTCGCGCGCGTTGGCCGCCAGGCGCCTGCGCGCCGCGCTCTC-3'
Protein context (NP_660161.1, residues 46-66): NARERRRMQG[Leu56Phe]NTAFDRLRRV